The following is an entry in ClinVar:

NM_001080517.3(SETD5):c.3526C>T (p.Arg1176Ter)

Gene: SETD5 (SET domain containing 5; plus strand). Cytogenetic location: 3p25.3.
Variant type: single nucleotide variant.
Coding change: c.3526C>T on transcript NM_001080517.3 (MANE Select); coding-DNA position 3526, C replaced by T.
Protein change: p.Arg1176Ter; replaces arginine 1176 with a stop codon.
Molecular consequence: nonsense.
Genome position (GRCh38, 1-based): chr3:9,474,477, C>T. VCF-style: chr3-9474477-C-T. GRCh37 (hg19) VCF-style: chr3-9516161-C-T.
Other names: c.3232C>T, p.Arg1078Ter (NM_001292043.2, NM_001349451.2); short protein forms R1176*, R1078*.
Identifiers: ClinVar variation 432259 (VCV000432259.4), dbSNP rs1181898358, ClinGen allele CA351688913.

ClinVar aggregate classification (germline): Pathogenic (1 of 4 stars; one submission).

gnomAD v4.1: 1 of 1,613,930 alleles (0.000062%); no homozygotes.

Submission:

GeneDx
Classification: Pathogenic. Last evaluated: 2021-10-29. Review status: criteria provided, single submitter. Criteria: GeneDx Variant Classification Process June 2021. Collection method: clinical testing. Allele origin: germline. Affected: yes.
Comment: Nonsense variant predicted to result in protein truncation or nonsense mediated decay in a gene for which loss-of-function is a known mechanism of disease; Not observed at significant frequency in large population cohorts (Lek et al., 2016); Has not been previously published as pathogenic or benign to our knowledge